The following is an entry in ClinVar:

NM_005609.4(PYGM):c.1092+6dup

Gene: PYGM (glycogen phosphorylase, muscle associated; minus strand). Cytogenetic location: 11q13.1.
Variant type: Duplication.
Coding change: c.1092+6dup on transcript NM_005609.4 (MANE Select); 6 bases into the intron after coding-DNA position 1092, one base duplicated (C; older notation c.1092+6dupC).
Molecular consequence: intron variant.
Genome position (GRCh38, 1-based): chr11:64,754,247, G duplicated on the plus strand (C on the coding strand, the reverse complement: PYGM is on the minus strand). VCF-style (leftmost placement, unchanged base first): chr11-64754246-A-AG. GRCh37 (hg19) VCF-style: chr11-64521718-A-AG.
Other names: c.1092+6dupC (NM_005609.2, NM_005609.4); c.828+6dup (NM_001164716.1); c.1092+6dup (NM_005609.3).
Identifiers: ClinVar variation 259829 (VCV000259829.25), dbSNP rs368602234, ClinGen allele CA6080016.
Genomic context (GRCh38, chr11:64,754,246, plus strand): 5'-TCCCAAACTGGGAAGGGAACCCCGAGGCAGAGAGCATCAGATGGGGCAGAGGGGCCCTGA[A>AG]GCCCACCTTGTCCCAGTCCATCCGTTCCAGGTCCACCAGGATCCTCATCAGCTCGGGGAT-3'

ClinVar aggregate classification (germline): Conflicting classifications of pathogenicity. Review status: criteria provided, conflicting classifications (1 of 4 stars). 8 submissions from 8 submitters: Uncertain significance (1); Benign (5). 2 of the submissions do not count toward it. Last evaluated 2026-01-26.

Conditions:
Glycogen storage disease, type V (GSD5). Also called: MCARDLE DISEASE; MUSCLE GLYCOGEN PHOSPHORYLASE DEFICIENCY; MYOPHOSPHORYLASE DEFICIENCY; PYGM DEFICIENCY; McArdle type glycogen storage disease. Identifiers: Orphanet 368, MedGen C0017924, MONDO:0009293, OMIM 232600.
Tip-toe gait. Also called: Toe walking. Identifiers: MedGen C0427144, HP:0030051.

Allele frequency attached by ClinVar (database versions not stated): gnomAD exomes 0.00163 and 0.00062; gnomAD 0.00657 and 0.00700; ESP Exome Variant Server 0.00751; TOPMed 0.00739; ExAC 0.00202; 1000 Genomes Project 0.00739; 1000 Genomes Project 30x 0.00703.

Submissions (8):

Labcorp Genetics (formerly Invitae), Labcorp
Classification: Benign for Glycogen storage disease, type V. Last evaluated: 2026-01-26. Review status: criteria provided, single submitter. Criteria: Invitae Variant Classification Sherloc (09022015). Collection method: clinical testing. Allele origin: germline.

ARUP Laboratories, Molecular Genetics and Genomics, ARUP Laboratories
Classification: Benign for Glycogen storage disease, type V. Last evaluated: 2023-08-08. Review status: criteria provided, single submitter. Criteria: ARUP Molecular Germline Variant Investigation Process 2024. Collection method: clinical testing. Allele origin: germline.

Practice for Gait Abnormalities, David Pomarino, Competency Network Toe Walking C/o Practice Pomarino
Classification: Benign for Tip-toe gait. Last evaluated: 2022-10-10. Review status: criteria provided, single submitter. Criteria: Pomarino et al. (J Musculoskelet Neuronal Interact. 2026). Collection method: clinical testing. Allele origin: germline. Affected: yes.

Eurofins Ntd Llc (ga)
Classification: Uncertain significance. Last evaluated: 2017-04-12. Review status: criteria provided, single submitter. Criteria: EGL Classification Definitions 2015. Collection method: clinical testing. Allele origin: germline. Observed: 3 variant alleles, 3 heterozygotes.

GeneDx
Classification: Benign. Last evaluated: 2015-05-19. Review status: criteria provided, single submitter. Criteria: GeneDx Variant Classification (06012015). Collection method: clinical testing. Allele origin: germline. Affected: yes.
Comment: This variant is considered likely benign or benign based on one or more of the following criteria: it is a conservative change, it occurs at a poorly conserved position in the protein, it is predicted to be benign by multiple in silico algorithms, and/or has population frequency not consistent with disease.

PreventionGenetics, part of Exact Sciences
Classification: Benign. Review status: criteria provided, single submitter. Criteria: ACMG Guidelines, 2015. Collection method: clinical testing. Allele origin: germline.

Natera, Inc.
Classification: Benign for Glycogen storage disease V. Last evaluated: 2020-09-16. Review status: no assertion criteria provided. Collection method: clinical testing. Allele origin: germline. Not counted in ClinVar's aggregate classification.

Mayo Clinic Laboratories, Mayo Clinic
Classification: Likely benign. Last evaluated: 2017-04-17. Review status: no assertion criteria provided. Collection method: clinical testing. Allele origin: unknown. Not counted in ClinVar's aggregate classification.